The following is an entry in ClinVar:

NM_182925.5(FLT4):c.3971G>C (p.Arg1324Pro)

Gene: FLT4 (fms related receptor tyrosine kinase 4; minus strand). Cytogenetic location: 5q35.3.
Variant type: single nucleotide variant.
Coding change: c.3971G>C on transcript NM_182925.5 (MANE Select); coding-DNA position 3971, G replaced by C.
Protein change: p.Arg1324Pro; replaces arginine 1324 with proline.
Molecular consequence: missense variant.
Genome position (GRCh38, 1-based): chr5:180,603,313, C>G on the plus strand (G>C on the coding strand, the complement: FLT4 is on the minus strand). VCF-style: chr5-180603313-C-G. GRCh37 (hg19) VCF-style: chr5-180030313-C-G.
Other names: short protein forms R1324P.
Identifiers: ClinVar variation 263056 (VCV000263056.21), dbSNP rs307821, ClinGen allele CA3605612.

ClinVar aggregate classification (germline): Likely benign. Review status: criteria provided, multiple submitters, no conflicts (2 of 4 stars). 5 submissions from 5 submitters: Likely benign (3). 2 of the submissions do not count toward it. Last evaluated 2026-01-01.

Allele frequency attached by ClinVar (database versions not stated): 1000 Genomes Project 30x 0.00016.
gnomAD v4.1: 1,548 of 1,613,776 alleles (0.096%); highest among the groups gnomAD compares: South Asian, 0.12%; 5 homozygotes.

Submissions (5):

CeGaT Center for Human Genetics Tuebingen
Classification: Likely benign. Last evaluated: 2026-01-01. Review status: criteria provided, single submitter. Criteria: CeGaT Center For Human Genetics Tuebingen Variant Classification Criteria Version 2. Collection method: clinical testing. Allele origin: germline. Affected: yes. Observed: 3 variant alleles.
Comment: FLT4: BP4, BS1

Blueprint Genetics
Classification: Likely benign. Last evaluated: 2024-11-08. Review status: criteria provided, single submitter. Criteria: ACMG Guidelines, 2015. Collection method: clinical testing. Allele origin: germline.

PreventionGenetics, part of Exact Sciences
Classification: Likely benign. Review status: criteria provided, single submitter. Criteria: ACMG Guidelines, 2015. Collection method: clinical testing. Allele origin: germline.

Clinical Genetics, Academic Medical Center
Classification: Likely benign. Review status: no assertion criteria provided. Collection method: clinical testing. Allele origin: germline. Affected: yes. Study: VKGL Data-share Consensus. Not counted in ClinVar's aggregate classification.

Joint Genome Diagnostic Labs from Nijmegen and Maastricht, Radboudumc and MUMC+
Classification: Likely benign. Review status: no assertion criteria provided. Collection method: clinical testing. Allele origin: germline. Affected: yes. Study: VKGL Data-share Consensus. Not counted in ClinVar's aggregate classification.